The following is an entry in ClinVar:

NM_000199.5(SGSH):c.727G>A (p.Val243Ile)

Gene: SGSH (N-sulfoglucosamine sulfohydrolase; minus strand). Cytogenetic location: 17q25.3.
Variant type: single nucleotide variant.
Coding change: c.727G>A on transcript NM_000199.5 (MANE Select); coding-DNA position 727, G replaced by A.
Protein change: p.Val243Ile; replaces valine 243 with isoleucine.
Molecular consequence: missense variant. On other transcripts: non-coding transcript variant (1).
Genome position (GRCh38, 1-based): chr17:80,213,822, C>T on the plus strand (G>A on the coding strand, the complement: SGSH is on the minus strand). VCF-style: chr17-80213822-C-T. GRCh37 (hg19) VCF-style: chr17-78187621-C-T.
Other names: c.727G>A, p.Val243Ile (NM_001352921.3, NM_001352922.2); c.727G>A (NM_000199.3); short protein forms V243I.
Identifiers: ClinVar variation 1514303 (VCV001514303.6), dbSNP rs770944322, ClinGen allele CA8817824.

ClinVar aggregate classification (germline): Conflicting classifications of pathogenicity. Review status: criteria provided, conflicting classifications (1 of 4 stars). 2 submissions from 2 submitters: Uncertain significance (1); Likely benign (1). Last evaluated 2023-12-13.

Conditions:
Inborn genetic diseases. Identifiers: MedGen C0950123, MeSH D030342.
Mucopolysaccharidosis, MPS-III-A (MPS3A). Also called: HEPARAN SULFATE SULFATASE DEFICIENCY; SANFILIPPO SYNDROME A; SULFAMIDASE DEFICIENCY; MPS III A; MPS IIIA (Sanfilippo Syndrome Type A); Mucopolysaccharidosis type IIIA (Sanfilippo A). Identifiers: Orphanet 581, Orphanet 79269, MedGen C0086647, MONDO:0009655, OMIM 252900.

Allele frequency attached by ClinVar (database versions not stated): TOPMed 0.00002; gnomAD exomes 0.00006 and 0.00001; gnomAD 0.00002; ExAC 0.00010.
gnomAD v4.1: 20 of 1,606,298 alleles (0.0012%); highest among the groups gnomAD compares: Admixed American, 0.02%; no homozygotes.

Submissions (2):

Ambry Genetics
Classification: Likely benign for Inborn genetic diseases. Last evaluated: 2023-12-13. Review status: criteria provided, single submitter. Criteria: Ambry Variant Classification Scheme 2023. Collection method: clinical testing. Allele origin: germline.

Labcorp Genetics (formerly Invitae), Labcorp
Classification: Uncertain significance for Mucopolysaccharidosis, MPS-III-A. Last evaluated: 2022-08-23. Review status: criteria provided, single submitter. Criteria: Invitae Variant Classification Sherloc (09022015). Collection method: clinical testing. Allele origin: germline.
Comment: This sequence change replaces valine, which is neutral and non-polar, with isoleucine, which is neutral and non-polar, at codon 243 of the SGSH protein (p.Val243Ile). This variant is present in population databases (rs770944322, gnomAD 0.03%). This variant has not been reported in the literature in individuals affected with SGSH-related conditions. ClinVar contains an entry for this variant (Variation ID: 1514303). Algorithms developed to predict the effect of missense changes on protein structure and function output the following: SIFT: "Tolerated"; PolyPhen-2: "Benign"; Align-GVGD: "Class C0". The isoleucine amino acid residue is found in multiple mammalian species, which suggests that this missense change does not adversely affect protein function. In summary, the available evidence is currently insufficient to determine the role of this variant in disease. Therefore, it has been classified as a Variant of Uncertain Significance.